The following is an entry in ClinVar:

NM_000271.5(NPC1):c.3797_3798delinsAC (p.Arg1266His)

Gene: NPC1 (NPC intracellular cholesterol transporter 1; minus strand). Cytogenetic location: 18q11.2.
Variant type: Indel.
Coding change: c.3797_3798delinsAC on transcript NM_000271.5 (MANE Select); coding-DNA positions 3797 to 3798, GA replaced by AC.
Protein change: p.Arg1266His; replaces arginine 1266 with histidine.
Molecular consequence: missense variant.
Genome position (GRCh38, 1-based): chr18:23,532,241-23,532,242, TC replaced by GT on the plus strand (GA replaced by AC on the coding strand, the reverse complement: NPC1 is on the minus strand). VCF-style: chr18-23532241-TC-GT. GRCh37 (hg19) VCF-style: chr18-21112205-TC-GT.
Other names: short protein forms R1266H.
Identifiers: ClinVar variation 1036007 (VCV001036007.8), dbSNP rs2058535881, ClinGen allele CA2290162117.

ClinVar aggregate classification (germline): Uncertain significance (1 of 4 stars; one submission).

Conditions:
Niemann-Pick disease, type C1. Also called: NEUROVISCERAL STORAGE DISEASE WITH VERTICAL SUPRANUCLEAR OPHTHALMOPLEGIA; NIEMANN-PICK DISEASE WITH CHOLESTEROL ESTERIFICATION BLOCK; NIEMANN-PICK DISEASE WITHOUT SPHINGOMYELINASE DEFICIENCY; NIEMANN-PICK DISEASE, CHRONIC NEURONOPATHIC FORM; NIEMANN-PICK DISEASE, VARIANT TYPE C1. Identifiers: Orphanet 646, MedGen C3179455, MONDO:0009757, OMIM 257220.

Submission:

Labcorp Genetics (formerly Invitae), Labcorp
Classification: Uncertain significance for Niemann-Pick disease, type C1. Last evaluated: 2022-01-15. Review status: criteria provided, single submitter. Criteria: Invitae Variant Classification Sherloc (09022015). Collection method: clinical testing. Allele origin: germline.
Comment: In summary, the available evidence is currently insufficient to determine the role of this variant in disease. Therefore, it has been classified as a Variant of Uncertain Significance. Algorithms developed to predict the effect of missense changes on protein structure and function are either unavailable or do not agree on the potential impact of this missense change (SIFT: "Not Available"; PolyPhen-2: "Benign"; Align-GVGD: "Not Available"). ClinVar contains an entry for this variant (Variation ID: 1036007). This variant has not been reported in the literature in individuals affected with NPC1-related conditions. Information on the frequency of this variant in the gnomAD database is not available, as this variant may be reported differently in the database. This sequence change replaces arginine, which is basic and polar, with histidine, which is basic and polar, at codon 1266 of the NPC1 protein (p.Arg1266His).